The following is an entry in ClinVar:

NM_000135.4(FANCA):c.160C>T (p.His54Tyr)

Gene: FANCA (FA complementation group A; minus strand). Cytogenetic location: 16q24.3.
Variant type: single nucleotide variant.
Coding change: c.160C>T on transcript NM_000135.4 (MANE Select); coding-DNA position 160, C replaced by T.
Protein change: p.His54Tyr; replaces histidine 54 with tyrosine.
Molecular consequence: missense variant.
Genome position (GRCh38, 1-based): chr16:89,815,906, G>A on the plus strand (C>T on the coding strand, the complement: FANCA is on the minus strand). VCF-style: chr16-89815906-G-A. GRCh37 (hg19) VCF-style: chr16-89882314-G-A.
Other names: c.160C>T, p.His54Tyr (NM_001018112.3, NM_001286167.3, NM_001351830.2); short protein forms H54Y.
Identifiers: ClinVar variation 965975 (VCV000965975.6), dbSNP rs1383572316, ClinGen allele CA397483308.

ClinVar aggregate classification (germline): Uncertain significance. Review status: criteria provided, single submitter (1 of 4 stars). 2 submissions from 2 submitters: Uncertain significance (1). 1 of the submissions does not count toward it. Last evaluated 2021-09-15.

Conditions:
Fanconi anemia (FA). Also called: Fanconi's anemia. Identifiers: Orphanet 84, MedGen C0015625, MeSH D005199, MONDO:0019391.

Allele frequency attached by ClinVar (database versions not stated): gnomAD 0.00001; gnomAD exomes 0.00001.
gnomAD v4.1: 9 of 1,613,986 alleles (0.00056%); highest among the groups gnomAD compares: Non-Finnish European, 0.00076%; no homozygotes.

Submissions (2):

Labcorp Genetics (formerly Invitae), Labcorp
Classification: Uncertain significance for Fanconi anemia. Last evaluated: 2021-09-15. Review status: criteria provided, single submitter. Criteria: Invitae Variant Classification Sherloc (09022015). Collection method: clinical testing. Allele origin: germline.
Comment: This sequence change replaces histidine with tyrosine at codon 54 of the FANCA protein (p.His54Tyr). The histidine residue is weakly conserved and there is a moderate physicochemical difference between histidine and tyrosine. This variant is not present in population databases (ExAC no frequency). This variant has not been reported in the literature in individuals affected with FANCA-related conditions. Algorithms developed to predict the effect of missense changes on protein structure and function are either unavailable or do not agree on the potential impact of this missense change (SIFT: "Deleterious"; PolyPhen-2: "Benign"; Align-GVGD: "Class C0"). In summary, the available evidence is currently insufficient to determine the role of this variant in disease. Therefore, it has been classified as a Variant of Uncertain Significance.

Natera, Inc.
Classification: Uncertain significance for Fanconi anemia. Last evaluated: 2021-09-16. Review status: no assertion criteria provided. Collection method: clinical testing. Allele origin: germline. Not counted in ClinVar's aggregate classification.